The following is an entry in ClinVar:

NM_001271.4(CHD2):c.2858A>G (p.Asn953Ser)

Gene: CHD2 (chromodomain helicase DNA binding protein 2; plus strand). Cytogenetic location: 15q26.1.
Variant type: single nucleotide variant.
Coding change: c.2858A>G on transcript NM_001271.4 (MANE Select); coding-DNA position 2858, A replaced by G.
Protein change: p.Asn953Ser; replaces asparagine 953 with serine.
Molecular consequence: missense variant.
Genome position (GRCh38, 1-based): chr15:92,979,265, A>G. VCF-style: chr15-92979265-A-G. GRCh37 (hg19) VCF-style: chr15-93522495-A-G.
Other names: short protein forms N953S.
Identifiers: ClinVar variation 1178443 (VCV001178443.5), dbSNP rs2141844278, ClinGen allele CA393894292.

ClinVar aggregate classification (germline): Conflicting classifications of pathogenicity. Review status: criteria provided, conflicting classifications (1 of 4 stars). 2 submissions from 2 submitters: Uncertain significance (1); Likely benign (1). Last evaluated 2026-01-18.

Conditions:
Developmental and epileptic encephalopathy 94 (DEE94). Also called: Epileptic encephalopathy, childhood-onset; CHD2-Related Neurodevelopmental Disorders. Identifiers: Orphanet 1942, Orphanet 2382, MedGen C3809278, MONDO:0014150, OMIM 615369.

Submissions (2):

Labcorp Genetics (formerly Invitae), Labcorp
Classification: Uncertain significance for Developmental and epileptic encephalopathy 94. Last evaluated: 2026-01-18. Review status: criteria provided, single submitter. Criteria: Invitae Variant Classification Sherloc (09022015). Collection method: clinical testing. Allele origin: germline.
Comment: This sequence change replaces asparagine, which is neutral and polar, with serine, which is neutral and polar, at codon 953 of the CHD2 protein (p.Asn953Ser). This variant is not present in population databases (gnomAD no frequency). This variant has not been reported in the literature in individuals affected with CHD2-related conditions. ClinVar contains an entry for this variant (Variation ID: 1178443). Invitae Evidence Modeling of protein sequence and biophysical properties (such as structural, functional, and spatial information, amino acid conservation, physicochemical variation, residue mobility, and thermodynamic stability) indicates that this missense variant is not expected to disrupt CHD2 protein function with a negative predictive value of 95%. In summary, the available evidence is currently insufficient to determine the role of this variant in disease. Therefore, it has been classified as a Variant of Uncertain Significance.

GeneDx
Classification: Likely benign. Last evaluated: 2021-01-28. Review status: criteria provided, single submitter. Criteria: GeneDx Variant Classification Process June 2021. Collection method: clinical testing. Allele origin: germline. Affected: yes.
Comment: Not observed in large population cohorts (Lek et al., 2016); In silico analysis supports that this missense variant does not alter protein structure/function; Has not been previously published as pathogenic or benign to our knowledge